The following is an entry in ClinVar:

ClinVar aggregate classification (germline): Uncertain significance (1 of 4 stars; one submission).

Allele frequency attached by ClinVar (database versions not stated): gnomAD exomes below 0.00001.

Submission:

Labcorp Genetics (formerly Invitae), Labcorp
Classification: Uncertain significance. Last evaluated: 2022-08-20. Review status: criteria provided, single submitter. Criteria: Invitae Variant Classification Sherloc (09022015). Collection method: clinical testing. Allele origin: germline.
Comment: In summary, the available evidence is currently insufficient to determine the role of this variant in disease. Therefore, it has been classified as a Variant of Uncertain Significance. Algorithms developed to predict the effect of missense changes on protein structure and function are either unavailable or do not agree on the potential impact of this missense change (SIFT: "Deleterious"; PolyPhen-2: "Benign"; Align-GVGD: "Class C0"). This variant has not been reported in the literature in individuals affected with MFF-related conditions. This variant is not present in population databases (gnomAD no frequency). This sequence change replaces proline, which is neutral and non-polar, with serine, which is neutral and polar, at codon 201 of the MFF protein (p.Pro201Ser).

NM_001277062.2(MFF):c.448C>T (p.Pro150Ser)

Gene: MFF (mitochondrial fission factor; plus strand). Cytogenetic location: 2q36.3.
Variant type: single nucleotide variant.
Coding change: c.448C>T on transcript NM_001277062.2 (MANE Select); coding-DNA position 448, C replaced by T.
Protein change: p.Pro150Ser; replaces proline 150 with serine.
Molecular consequence: missense variant. On other transcripts: intron variant (5).
Genome position (GRCh38, 1-based): chr2:227,347,233, C>T. VCF-style: chr2-227347233-C-T. GRCh37 (hg19) VCF-style: chr2-228211949-C-T.
Other names: c.601C>T, p.Pro201Ser (NM_001277061.2, NM_020194.5); c.298C>T, p.Pro100Ser (NM_001277067.1); c.515+4414C>T (NM_001277063.2); c.441-5281C>T (NM_001277064.2); c.440+6853C>T (NM_001277065.2, NM_001277066.2); c.441-110C>T (NM_001277068.1); short protein forms P150S, P201S, P100S.
Identifiers: ClinVar variation 1943724 (VCV001943724.5), dbSNP rs2470122742, ClinGen allele CA350851282.